The following is an entry in ClinVar:

ClinVar aggregate classification (germline): Uncertain significance (1 of 4 stars; one submission).

Conditions:
Hereditary cancer-predisposing syndrome. Also called: Neoplastic Syndromes, Hereditary; Tumor predisposition; Hereditary Cancer Syndrome; Hereditary neoplastic syndrome. Identifiers: Orphanet 140162, MedGen C0027672, MeSH D009386, MONDO:0015356.

Submission:

Ambry Genetics
Classification: Uncertain significance for Hereditary cancer-predisposing syndrome. Last evaluated: 2025-10-16. Review status: criteria provided, single submitter. Criteria: Ambry Variant Classification Scheme 2023. Collection method: clinical testing. Allele origin: germline.
Comment: The p.N455K variant (also known as c.1365C>A), located in coding exon 4 of the MSH6 gene, results from a C to A substitution at nucleotide position 1365. The asparagine at codon 455 is replaced by lysine, an amino acid with similar properties. This amino acid position is conserved. In addition, this alteration is predicted to be tolerated by in silico analysis. Based on the available evidence, the clinical significance of this variant remains unclear.

NM_000179.3(MSH6):c.1365C>A (p.Asn455Lys)

Gene: MSH6 (mutS homolog 6; plus strand). Cytogenetic location: 2p16.3.
Variant type: single nucleotide variant.
Coding change: c.1365C>A on transcript NM_000179.3 (MANE Select); coding-DNA position 1365, C replaced by A.
Protein change: p.Asn455Lys; replaces asparagine 455 with lysine.
Molecular consequence: missense variant. On other transcripts: non-coding transcript variant (4), intron variant (1).
Genome position (GRCh38, 1-based): chr2:47,799,348, C>A. VCF-style: chr2-47799348-C-A. GRCh37 (hg19) VCF-style: chr2-48026487-C-A.
Other names: c.975C>A, p.Asn325Lys (NM_001281492.2); c.459C>A, p.Asn153Lys (NM_001281493.2, NM_001281494.2, NM_001406811.1 and 6 more transcripts); c.1461C>A, p.Asn487Lys (NM_001406795.1, NM_001406802.1); c.1365C>A, p.Asn455Lys (NM_001406796.1, NM_001406798.1, NM_001406800.1 and 4 more transcripts); c.1068C>A, p.Asn356Lys (NM_001406797.1, NM_001406801.1, NM_001406805.1 and 10 more transcripts); c.840C>A, p.Asn280Lys (NM_001406799.1, NM_001406806.1, NM_001406807.1); c.1287C>A, p.Asn429Lys (NM_001406804.1); c.1371C>A, p.Asn457Lys (NM_001406813.1); and 2 more; short protein forms N325K, N429K, N280K, N455K, N457K, N399K, N153K, N356K.
Identifiers: ClinVar variation 4657750 (VCV004657750.1).